The following is an entry in ClinVar:

NM_001374828.1(ARID1B):c.2736A>G (p.Pro912=)

Gene: ARID1B (AT-rich interaction domain 1B; plus strand). Cytogenetic location: 6q25.3.
Variant type: single nucleotide variant.
Coding change: c.2736A>G on transcript NM_001374828.1 (MANE Select); coding-DNA position 2736, A replaced by G.
Protein change: p.Pro912=; no amino-acid change (proline 912 retained).
Molecular consequence: synonymous variant.
Genome position (GRCh38, 1-based): chr6:157,133,182, A>G. VCF-style: chr6-157133182-A-G. GRCh37 (hg19) VCF-style: chr6-157454316-A-G.
Other names: c.237A>G, p.Pro79= (NM_001363725.2); c.2775A>G, p.Pro925= (NM_001371656.1, NM_001374820.1); c.2736A>G, p.Pro912= (NM_017519.3); c.2526A>G (NM_020732.3).
Identifiers: ClinVar variation 872677 (VCV000872677.48), dbSNP rs368988882, ClinGen allele CA4067127.

ClinVar aggregate classification (germline): Likely benign. Review status: criteria provided, multiple submitters, no conflicts (2 of 4 stars). 5 submissions from 5 submitters: Likely benign (5). Last evaluated 2025-05-17.

Conditions:
ARID1B-Related Disorder. Identifiers: MedGen CN381337.

Allele frequency attached by ClinVar (database versions not stated): gnomAD exomes 0.00002; ExAC 0.00003; TOPMed 0.00004; gnomAD 0.00005 and 0.00006; ESP Exome Variant Server 0.00008.
gnomAD v4.1: 60 of 1,613,002 alleles (0.0037%); highest among the groups gnomAD compares: Middle Eastern, 0.016%; no homozygotes.

Submissions (5):

Labcorp Genetics (formerly Invitae), Labcorp
Classification: Likely benign. Last evaluated: 2025-05-17. Review status: criteria provided, single submitter. Criteria: Invitae Variant Classification Sherloc (09022015). Collection method: clinical testing. Allele origin: germline.

PreventionGenetics, part of Exact Sciences
Classification: Likely benign for ARID1B-related condition. Last evaluated: 2024-12-10. Review status: criteria provided, single submitter. Criteria: ACMG Guidelines, 2015. Collection method: clinical testing. Allele origin: germline.
Comment: This variant is classified as likely benign based on ACMG/AMP sequence variant interpretation guidelines (Richards et al. 2015 PMID: 25741868, with internal and published modifications).

Blueprint Genetics
Classification: Likely benign. Last evaluated: 2023-12-12. Review status: criteria provided, single submitter. Criteria: ACMG Guidelines, 2015. Collection method: clinical testing. Allele origin: germline.

CeGaT Center for Human Genetics Tuebingen
Classification: Likely benign. Last evaluated: 2019-09-01. Review status: criteria provided, single submitter. Criteria: CeGaT Center For Human Genetics Tuebingen Variant Classification Criteria Version 2. Collection method: clinical testing. Allele origin: germline. Affected: yes. Observed: 1 variant allele.

Breakthrough Genomics
Classification: Likely benign. Review status: criteria provided, single submitter. Criteria: ACMG Guidelines, 2015. Collection method: not provided. Allele origin: germline. Inheritance: Autosomal dominant inheritance. Affected: yes.